The following is an entry in ClinVar:

ClinVar aggregate classification (germline): Likely pathogenic (1 of 4 stars; one submission).

Conditions:
Cardiovascular phenotype. Identifiers: MedGen CN230736.

Submission:

Ambry Genetics
Classification: Likely pathogenic for Cardiovascular phenotype. Last evaluated: 2021-11-16. Review status: criteria provided, single submitter. Criteria: Ambry Variant Classification Scheme 2023. Collection method: clinical testing. Allele origin: germline.
Comment: The c.57281delG variant, located in coding exon 153 of the TTN gene, results from a deletion of one nucleotide at nucleotide position 57281, causing a translational frameshift with a predicted alternate stop codon (p.G19094Vfs*15). This exon is located in the A-band region of the N2-B isoform of the titin protein and is constitutively expressed in TTN transcripts (percent spliced in or PSI 100%). This variant is considered to be rare based on population cohorts in the Genome Aggregation Database (gnomAD). This alteration is expected to result in loss of function by premature protein truncation or nonsense-mediated mRNA decay. While truncating variants in TTN are present in 1-3% of the general population, truncating variants in the A-band are the most common cause of dilated cardiomyopathy (DCM) (Herman DS et al. N. Engl. J. Med., 2012 Feb;366:619-28; Roberts AM et al. Sci Transl Med, 2015 Jan;7:270ra6). TTN truncating variants encoded in constitutive exons (PSI >90%) have been found to be significantly associated with DCM regardless of their position in titin (Schafer S et al. Nat. Genet., 2017 01;49:46-53). As such, this alteration is classified as likely pathogenic.

NM_001267550.2(TTN):c.84476del (p.Gly28159fs)

Genes: TTN (titin; minus strand), TTN-AS1 (TTN antisense RNA 1; plus strand). Cytogenetic location: 2q31.2.
Variant type: Deletion.
Coding change: c.84476del on transcript NM_001267550.2 (MANE Select); coding-DNA position 84476, one base deleted (G; older notation c.84476delG).
Protein change: p.Gly28159fs; shifts the reading frame from glycine 28159.
Molecular consequence: frameshift variant.
Genome position (GRCh38, 1-based): chr2:178,561,656, C deleted on the plus strand (G on the coding strand, the reverse complement: TTN is on the minus strand); the first of 2 consecutive C bases (chr2:178,561,656-178,561,657); deleting either gives the same sequence. VCF-style (leftmost placement, unchanged base first): chr2-178561655-AC-A. GRCh37 (hg19) VCF-style: chr2-179426382-AC-A.
Other names: c.79553del, p.Gly26518fs (NM_001256850.1); c.57281del, p.Gly19094fs (NM_003319.4); c.76772del, p.Gly25591fs (NM_133378.4); c.57656del, p.Gly19219fs (NM_133432.3); c.57857del, p.Gly19286fs (NM_133437.4); c.57281delG (NM_003319.4); short protein forms G28159fs, G19094fs, G19219fs, G25591fs, G19286fs, G26518fs.
Identifiers: ClinVar variation 519117 (VCV000519117.5), dbSNP rs1553564694, ClinGen allele CA658796000.